The following is an entry in ClinVar:

ClinVar aggregate classification (germline): Uncertain significance (1 of 4 stars; one submission).

Conditions:
Candidiasis, familial, 9 (CANDF9). Identifiers: Orphanet 1334, MedGen C4225324, MONDO:0014642, OMIM 616445.

gnomAD v4.1: 7 of 1,573,532 alleles (0.00044%); highest among the groups gnomAD compares: Non-Finnish European, 0.0006%; no homozygotes.

Submission:

Labcorp Genetics (formerly Invitae), Labcorp
Classification: Uncertain significance for Candidiasis, familial, 9. Last evaluated: 2025-02-27. Review status: criteria provided, single submitter. Criteria: Invitae Variant Classification Sherloc (09022015). Collection method: clinical testing. Allele origin: germline.
Comment: This sequence change replaces alanine, which is neutral and non-polar, with proline, which is neutral and non-polar, at codon 579 of the IL17RC protein (p.Ala579Pro). This variant also falls at the last nucleotide of exon 18, which is part of the consensus splice site for this exon. This variant is present in population databases (rs752284475, gnomAD 0.001%). This variant has not been reported in the literature in individuals affected with IL17RC-related conditions. An algorithm developed to predict the effect of missense changes on protein structure and function (PolyPhen-2) suggests that this variant is likely to be tolerated. Variants that disrupt the consensus splice site are a relatively common cause of aberrant splicing (PMID: 17576681, 9536098). Algorithms developed to predict the effect of sequence changes on RNA splicing suggest that this variant may disrupt the consensus splice site. In summary, the available evidence is currently insufficient to determine the role of this variant in disease. Therefore, it has been classified as a Variant of Uncertain Significance.

Literature cited by the submitters: PubMed 17576681; PubMed 9536098.

NM_153460.4(IL17RC):c.1522G>C (p.Ala508Pro)

Genes: IL17RC (interleukin 17 receptor C; plus strand), LOC129936143 (ATAC-STARR-seq lymphoblastoid silent region 14050; plus strand). Cytogenetic location: 3p25.3.
Variant type: single nucleotide variant.
Coding change: c.1522G>C on transcript NM_153460.4 (MANE Select); coding-DNA position 1522, G replaced by C.
Protein change: p.Ala508Pro; replaces alanine 508 with proline.
Molecular consequence: missense variant. On other transcripts: non-coding transcript variant (1), intron variant (6).
Genome position (GRCh38, 1-based): chr3:9,932,858, G>C. VCF-style: chr3-9932858-G-C. GRCh37 (hg19) VCF-style: chr3-9974542-G-C.
Other names: c.1426G>C, p.Ala476Pro (NM_001203265.2); c.1477G>C, p.Ala493Pro (NM_032732.6); c.1735G>C, p.Ala579Pro (NM_153461.4); c.1484-95G>C (NM_001203263.2); c.1433-95G>C (NM_001203264.2); c.1445-95G>C (NM_001367278.1); c.1439-95G>C (NM_001367280.1); c.1388-95G>C (NM_001410711.1); and 1 more; short protein forms A476P, A493P, A508P, A579P.
Identifiers: ClinVar variation 4778662 (VCV004778662.1).
Genomic context (GRCh38, chr3:9,932,858, plus strand): 5'-CTCCGCCCCTCTCCCCTAACAGGGTGGCTGAGGCTCTTGAAACAGGACGTCCGCTCGGGG[G>C]GTGAGTGGGAGCAAGCGCTGGGCGGAGGGCCGCCCCCGGGGAGCCAGGCCTGTGCCAGCT-3'
Protein context (NP_703190.2, residues 498-518): RLLKQDVRSG[Ala508Pro]AARGRAALLL